The following is an entry in ClinVar:

ClinVar aggregate classification (germline): Uncertain significance. Review status: criteria provided, single submitter (1 of 4 stars). 2 submissions from 2 submitters: Uncertain significance (1). 1 of the submissions does not count toward it. Last evaluated 2022-08-02.

Conditions:
Hereditary cancer-predisposing syndrome. Also called: Neoplastic Syndromes, Hereditary; Hereditary Cancer Syndrome; Tumor predisposition; Hereditary neoplastic syndrome. Identifiers: Orphanet 140162, MedGen C0027672, MeSH D009386, MONDO:0015356.

Allele frequency attached by ClinVar (database versions not stated): gnomAD exomes below 0.00001.
gnomAD v4.1: 1 of 1,520,752 alleles (0.000066%); highest among the groups gnomAD compares: Non-Finnish European, 0.000088%; no homozygotes.

Submissions (2):

Ambry Genetics
Classification: Uncertain significance for Hereditary cancer-predisposing syndrome. Last evaluated: 2022-08-02. Review status: criteria provided, single submitter. Criteria: Ambry Variant Classification Scheme 2023. Collection method: clinical testing. Allele origin: germline.
Comment: The p.A61T variant (also known as c.181G>A), located in coding exon 1 of the MSH6 gene, results from a G to A substitution at nucleotide position 181. The alanine at codon 61 is replaced by threonine, an amino acid with similar properties. This alteration was detected in a cohort of 66 Brazilian patients that fulfilled the Amsterdam and Bethesda Criteria for Lynch syndrome (Soares BL et al. Fam Cancer, 2018 07;17:387-394). This amino acid position is not well conserved in available vertebrate species. In addition, this alteration is predicted to be tolerated by in silico analysis. Since supporting evidence is limited at this time, the clinical significance of this alteration remains unclear.

Genetic Laboratory, Instituto Nacional de Cancer
Classification: Likely benign. Last evaluated: 2016-01-11. Review status: no assertion criteria provided. Collection method: research. Allele origin: germline. Affected: yes. Observed: 1 heterozygote. Not counted in ClinVar's aggregate classification.

Literature cited by the submitters: PubMed 28932927 (cited by Ambry Genetics).

NM_000179.3(MSH6):c.181G>A (p.Ala61Thr)

Gene: MSH6 (mutS homolog 6; plus strand). Cytogenetic location: 2p16.3.
Variant type: single nucleotide variant.
Coding change: c.181G>A on transcript NM_000179.3 (MANE Select); coding-DNA position 181, G replaced by A.
Protein change: p.Ala61Thr; replaces alanine 61 with threonine.
Molecular consequence: missense variant. On other transcripts: 5 prime UTR variant (1).
Genome position (GRCh38, 1-based): chr2:47,783,414, G>A. VCF-style: chr2-47783414-G-A. GRCh37 (hg19) VCF-style: chr2-48010553-G-A.
Other names: c.181G>A, p.Ala61Thr (NM_001281492.2); c.-556G>A (NM_001281493.2); short protein forms A61T.
Identifiers: ClinVar variation 393459 (VCV000393459.4), dbSNP rs1057524911, ClinGen allele CA16609275.
Genomic context (GRCh38, chr2:47,783,414, plus strand): 5'-TCTCCTTCCCCAGGCGGGGATGCGGCCTGGAGCGAGGCTGGGCCTGGGCCCAGGCCCTTG[G>A]CGCGCTCCGCGTCACCGCCCAAGGCGAAGAACCTCAACGGAGGGCTGCGGAGATCGGTAG-3'
Protein context (NP_000170.1, residues 51-71): SEAGPGPRPL[Ala61Thr]RSASPPKAKN